The following is an entry in ClinVar:

NM_005726.6(TSFM):c.408G>A (p.Leu136=)

Gene: TSFM (Ts translation elongation factor, mitochondrial; plus strand). Cytogenetic location: 12q14.1.
Variant type: single nucleotide variant.
Coding change: c.408G>A on transcript NM_005726.6 (MANE Select); coding-DNA position 408, G replaced by A.
Protein change: p.Leu136=; no amino-acid change (leucine 136 retained).
Molecular consequence: synonymous variant.
Genome position (GRCh38, 1-based): chr12:57,787,087, G>A. VCF-style: chr12-57787087-G-A. GRCh37 (hg19) VCF-style: chr12-58180870-G-A.
Other names: c.408G>A, p.Leu136= (NM_001172696.2, NM_001172695.2, NM_001172697.2).
Identifiers: ClinVar variation 310013 (VCV000310013.49), dbSNP rs144109380, ClinGen allele CA6659337.
Genomic context (GRCh38, chr12:57,787,087, plus strand): 5'-TTTGTTCCCACAGGTAAACTGTGAGACAGATTTTGTTTCTAGAAATTTAAAATTTCAACT[G>A]TTGGTCCAGCAAGTAGCCCTTGGAACCATGATGCATTGTCAGACCCTAAAGGATCAACCC-3'
Protein context (NP_005717.3, residues 126-146): DFVSRNLKFQ[Leu136=]LVQQVALGTM

ClinVar aggregate classification (germline): Conflicting classifications of pathogenicity. Review status: criteria provided, conflicting classifications (1 of 4 stars). 6 submissions from 6 submitters: Uncertain significance (1); Likely benign (4). 1 of the submissions does not count toward it. Last evaluated 2026-02-01.

Conditions:
Fatal mitochondrial disease due to combined oxidative phosphorylation defect type 3. Also called: ENCEPHALOMYOPATHY, RESPIRATORY FAILURE, AND LACTIC ACIDOSIS; Combined oxidative phosphorylation deficiency 3. Identifiers: Orphanet 168566, MedGen C1864840, MONDO:0012512, OMIM 610505.

Allele frequency attached by ClinVar (database versions not stated): TOPMed 0.00030; ESP Exome Variant Server 0.00038.
gnomAD v4.1: 520 of 1,612,392 alleles (0.032%); highest among the groups gnomAD compares: Non-Finnish European, 0.039%; no homozygotes.

Submissions (6):

CeGaT Center for Human Genetics Tuebingen
Classification: Likely benign. Last evaluated: 2026-02-01. Review status: criteria provided, single submitter. Criteria: CeGaT Center For Human Genetics Tuebingen Variant Classification Criteria Version 2. Collection method: clinical testing. Allele origin: germline. Affected: yes. Observed: 2 variant alleles.
Comment: TSFM: BP4, BP7

Labcorp Genetics (formerly Invitae), Labcorp
Classification: Likely benign. Last evaluated: 2026-02-01. Review status: criteria provided, single submitter. Criteria: Invitae Variant Classification Sherloc (09022015). Collection method: clinical testing. Allele origin: germline.

Blueprint Genetics
Classification: Likely benign. Last evaluated: 2024-05-29. Review status: criteria provided, single submitter. Criteria: ACMG Guidelines, 2015. Collection method: clinical testing. Allele origin: germline.

GeneDx
Classification: Likely benign. Last evaluated: 2019-12-05. Review status: criteria provided, single submitter. Criteria: GeneDx Variant Classification Process June 2021. Collection method: clinical testing. Allele origin: germline. Affected: yes.

Illumina Laboratory Services, Illumina
Classification: Uncertain significance for Fatal mitochondrial disease due to combined oxidative phosphorylation defect type 3. Last evaluated: 2018-01-12. Review status: criteria provided, single submitter. Criteria: ICSL Variant Classification Criteria 13 December 2019. Collection method: clinical testing. Allele origin: germline.

Natera, Inc.
Classification: Likely benign for Combined oxidative phosphorylation deficiency 3. Last evaluated: 2019-12-30. Review status: no assertion criteria provided. Collection method: clinical testing. Allele origin: germline. Not counted in ClinVar's aggregate classification.